The following is an entry in ClinVar:

NM_000222.3(KIT):c.949C>A (p.Pro317Thr)

Gene: KIT (KIT proto-oncogene, receptor tyrosine kinase; plus strand). Cytogenetic location: 4q12.
Variant type: single nucleotide variant.
Coding change: c.949C>A on transcript NM_000222.3 (MANE Select); coding-DNA position 949, C replaced by A.
Protein change: p.Pro317Thr; replaces proline 317 with threonine.
Molecular consequence: missense variant.
Genome position (GRCh38, 1-based): chr4:54,707,121, C>A. VCF-style: chr4-54707121-C-A. GRCh37 (hg19) VCF-style: chr4-55573287-C-A.
Other names: c.949C>A, p.Pro317Thr (NM_001093772.2, NM_001385285.1, NM_001385286.1); c.952C>A, p.Pro318Thr (NM_001385284.1, NM_001385288.1, NM_001385290.1 and 1 more transcripts); short protein forms P318T, P317T.
Identifiers: ClinVar variation 3288765 (VCV003288765.1).

ClinVar aggregate classification (germline): Uncertain significance (1 of 4 stars; one submission).

Conditions:
Hereditary cancer-predisposing syndrome. Also called: Tumor predisposition; Hereditary Cancer Syndrome; Hereditary neoplastic syndrome; Neoplastic Syndromes, Hereditary. Identifiers: Orphanet 140162, MedGen C0027672, MeSH D009386, MONDO:0015356.

gnomAD v4.1: 1 of 1,553,518 alleles (0.000064%); highest among the groups gnomAD compares: South Asian, 0.0011%; no homozygotes.

Submission:

Ambry Genetics
Classification: Uncertain significance for Hereditary cancer-predisposing syndrome. Last evaluated: 2024-06-16. Review status: criteria provided, single submitter. Criteria: Ambry Variant Classification Scheme 2023. Collection method: clinical testing. Allele origin: germline.
Comment: The p.P317T variant (also known as c.949C>A), located in coding exon 6 of the KIT gene, results from a C to A substitution at nucleotide position 949. The proline at codon 317 is replaced by threonine, an amino acid with highly similar properties. This amino acid position is conserved. In addition, this alteration is predicted to be tolerated by in silico analysis. Based on the available evidence, the clinical significance of this variant remains unclear.